The following is an entry in ClinVar:

NC_000013.10:g.(?_20796100)_(20797635_20803718)del

Gene: GJB6 (gap junction protein beta 6; minus strand). Cytogenetic location: 13q12.11.
Variant type: Deletion.
Identifiers: ClinVar variation 1683326 (VCV001683326.1).

ClinVar aggregate classification (germline): Uncertain significance (1 of 4 stars; one submission).

Submission:

Women's Health and Genetics/Laboratory Corporation of America, LabCorp
Classification: Uncertain significance. Last evaluated: 2022-04-15. Review status: criteria provided, single submitter. Criteria: LabCorp Variant Classification Summary - May 2015. Collection method: clinical testing. Allele origin: germline.
Comment: Variant summary: The variant identified by MLPA or other technology involves the deletion of exon 3 in the GJB6 gene. A presumed nomenclature of c.(-16+1_-15-1)_(*734_?)del has been designated for the purposes of this classification. Although exact breakpoints of this deletion are not known, it is expected to result in a deletion of full coding sequence in the GJB6 gene. The variant was absent in 21694 control chromosomes. The available data on variant occurrences in the general population are insufficient to allow any conclusion about variant significance. To our knowledge, no occurrence of c.(-16+1_-15-1)_(*734_?)del in individuals affected with Hidrotic Ectodermal Dysplasia Syndrome or other diseases and no experimental evidence demonstrating its impact on protein function have been reported. No clinical diagnostic laboratories have submitted clinical-significance assessments for this variant to ClinVar after 2014. Based on the evidence outlined above, the variant was classified as uncertain significance.